The following is an entry in ClinVar:

ClinVar aggregate classification (germline): Uncertain significance (0 of 4 stars; one submission).

Conditions:
ARHGAP31-related disorder. Also called: ARHGAP31-related condition.

gnomAD v4.1: 1 of 1,614,194 alleles (0.000062%); highest among the groups gnomAD compares: Non-Finnish European, 0.000085%; no homozygotes.

Submission:

PreventionGenetics, part of Exact Sciences
Classification: Uncertain significance for ARHGAP31-related condition. Last evaluated: 2024-05-08. Review status: no assertion criteria provided. Collection method: clinical testing. Allele origin: germline.
Comment: The ARHGAP31 c.2182C>A variant is predicted to result in the amino acid substitution p.Gln728Lys. To our knowledge, this variant has not been reported in the literature or in a large population database, indicating this variant is rare. At this time, the clinical significance of this variant is uncertain due to the absence of conclusive functional and genetic evidence.

NM_020754.4(ARHGAP31):c.2182C>A (p.Gln728Lys)

Gene: ARHGAP31 (Rho GTPase activating protein 31; plus strand). Cytogenetic location: 3q13.33.
Variant type: single nucleotide variant.
Coding change: c.2182C>A on transcript NM_020754.4 (MANE Select); coding-DNA position 2182, C replaced by A.
Protein change: p.Gln728Lys; replaces glutamine 728 with lysine.
Molecular consequence: missense variant.
Genome position (GRCh38, 1-based): chr3:119,414,111, C>A. VCF-style: chr3-119414111-C-A. GRCh37 (hg19) VCF-style: chr3-119132958-C-A.
Other names: short protein forms Q728K.
Identifiers: ClinVar variation 3347384 (VCV003347384.1).